The following is an entry in ClinVar:

ClinVar aggregate classification (germline): Pathogenic/Likely pathogenic. Review status: criteria provided, multiple submitters, no conflicts (2 of 4 stars). 7 submissions from 7 submitters: Pathogenic (5); Likely pathogenic (1). 1 of the submissions does not count toward it. Last evaluated 2025-05-15.

Conditions:
Familial cancer of breast. Also called: Hereditary breast cancer; hereditary breast carcinoma; BREAST CANCER, FAMILIAL. Identifiers: Orphanet 227535, MedGen C0346153, MONDO:0016419, OMIM 114480. Disease mechanism: loss of function.
Malignant tumor of breast. Also called: Malignant breast neoplasm; Cancer breast. Identifiers: MedGen C0006142, MONDO:0007254. Disease mechanism: loss of function.
Hereditary cancer-predisposing syndrome. Also called: Hereditary neoplastic syndrome; Tumor predisposition; Hereditary Cancer Syndrome; Neoplastic Syndromes, Hereditary. Identifiers: Orphanet 140162, MedGen C0027672, MeSH D009386, MONDO:0015356.

Submissions (7):

GeneDx
Classification: Likely pathogenic. Last evaluated: 2025-05-15. Review status: criteria provided, single submitter. Criteria: GeneDx Variant Classification Process June 2021. Collection method: clinical testing. Allele origin: germline. Affected: yes.
Comment: Frameshift variant predicted to result in protein truncation or nonsense mediated decay in a gene for which loss of function is a known mechanism of disease; Not observed at significant frequency in large population cohorts (gnomAD); This variant is associated with the following publications: (PMID: 28779002, 24713400, 21876083, 32885271, 29922827, 26786923)

Labcorp Genetics (formerly Invitae), Labcorp
Classification: Pathogenic for Familial cancer of breast. Last evaluated: 2025-02-09. Review status: criteria provided, single submitter. Criteria: Invitae Variant Classification Sherloc (09022015). Collection method: clinical testing. Allele origin: germline.
Comment: This sequence change creates a premature translational stop signal (p.Glu273Asnfs*16) in the CHEK2 gene. It is expected to result in an absent or disrupted protein product. Loss-of-function variants in CHEK2 are known to be pathogenic (PMID: 21876083, 24713400). This variant is present in population databases (no rsID available, gnomAD 0.0009%). This premature translational stop signal has been observed in individual(s) with breast cancer (PMID: 28779002). ClinVar contains an entry for this variant (Variation ID: 491643). For these reasons, this variant has been classified as Pathogenic.

Ambry Genetics
Classification: Pathogenic for Hereditary cancer-predisposing syndrome. Last evaluated: 2023-12-19. Review status: criteria provided, single submitter. Criteria: Ambry Variant Classification Scheme 2023. Collection method: clinical testing. Allele origin: germline.
Comment: The c.817_818delGA pathogenic mutation, located in coding exon 6 of the CHEK2 gene, results from a deletion of two nucleotides at nucleotide positions 817 to 818, causing a translational frameshift with a predicted alternate stop codon (p.E273Nfs*16). This alteration was identified in 1/2000 Australian breast or ovarian cancer patients and not detected in 1997 controls undergoing multigene panel testing for hereditary cancer risk (Thompson ER et al. J Clin Oncol, 2016 May;34:1455-9). This alteration has also been reported in at least one subject in a study of 13087 breast cancer cases and 5488 control individuals in the UK (Decker B et al. J Med Genet, 2017 11;54:732-741). This variant is considered to be rare based on population cohorts in the Genome Aggregation Database (gnomAD). In addition to the clinical data presented in the literature, this alteration is expected to result in loss of function by premature protein truncation or nonsense-mediated mRNA decay. As such, this alteration is interpreted as a disease-causing mutation.

Myriad Genetics, Inc.
Classification: Pathogenic for Familial cancer of breast. Last evaluated: 2023-06-27. Review status: criteria provided, single submitter. Criteria: Myriad Autosomal Dominant, Autosomal Recessive and X-Linked Classification Criteria (2023). Collection method: clinical testing. Allele origin: unknown.
Comment: This variant is considered pathogenic. This variant creates a frameshift predicted to result in premature protein truncation.

Baylor Genetics
Classification: Pathogenic for Familial cancer of breast. Last evaluated: 2023-01-13. Review status: criteria provided, single submitter. Criteria: ACMG Guidelines, 2015. Collection method: clinical testing. Allele origin: unknown.

Color Diagnostics, LLC DBA Color Health
Classification: Pathogenic for Hereditary cancer-predisposing syndrome. Last evaluated: 2020-01-15. Review status: criteria provided, single submitter. Criteria: ACMG Guidelines, 2015. Collection method: clinical testing. Allele origin: germline.
Comment: This variant deletes 2 nucleotides in exon 7 of the CHEK2 gene, creating a frameshift and premature translation stop signal. This variant is expected to result in an absent or non-functional protein product. This variant has been identified in 1/250118 chromosomes in the general population by the Genome Aggregation Database (gnomAD). Loss of CHEK2 function is a known mechanism of disease. Based on the available evidence, this variant is classified as Pathogenic.

Department of Pathology and Laboratory Medicine, Sinai Health System
Classification: Pathogenic for Malignant tumor of breast. Review status: no assertion criteria provided. Collection method: clinical testing. Allele origin: unknown. Affected: yes. Study: The Canadian Open Genetics Repository (COGR). Not counted in ClinVar's aggregate classification.
Comment: The CHEK2 p.Glu273AsnfsX16 variant was identified in 1 of 4000 proband chromosomes (frequency: 0.0003) from individuals or families with BRCA1/2 negative breast cancer and a strong family history and, it was not identified in 3996 control chromosomes from cancer free individuals (Thompson_2016_26786923). The variant was not identified in the following databases: dbSNP, ClinVar, Clinvitae, Cosmic, MutDB, Zhejiang Colon Cancer Database, the 1000 Genomes Project, the NHLBI GO Exome Sequencing Project, the Exome Aggregation Consortium (August 8th 2016), or the Genome Aggregation Database (Feb 27, 2017). The c.817_818delGA variant is predicted to cause a frameshift, which alters the protein's amino acid sequence beginning at codon 273 and leads to a premature stop codon 16 codons downstream. This alteration is then predicted to result in a truncated or absent protein and loss of function. Loss of function variants of the CHEK2 gene are an established mechanism of disease in hereditary breast cancer and is the type of variant expected to cause the disorder. In summary, based on the above information this variant meets our laboratoryâ€šÃ„Ã´s criteria to be classified as pathogenic.

Literature cited by the submitters: PubMed 21876083 (cited by Labcorp Genetics (formerly Invitae), Labcorp); PubMed 24713400 (cited by Labcorp Genetics (formerly Invitae), Labcorp); PubMed 28779002 (cited by Labcorp Genetics (formerly Invitae), Labcorp and Ambry Genetics); PubMed 26786923 (cited by Ambry Genetics).

NM_007194.4(CHEK2):c.817_818del (p.Glu273fs)

Gene: CHEK2 (checkpoint kinase 2; minus strand). Cytogenetic location: 22q12.1.
Variant type: Deletion.
Coding change: c.817_818del on transcript NM_007194.4 (MANE Select); coding-DNA positions 817 to 818, 2 bases deleted (GA; older notation c.817_818delGA).
Protein change: p.Glu273fs; shifts the reading frame from glutamic acid 273.
Molecular consequence: frameshift variant.
Genome position (GRCh38, 1-based): chr22:28,710,034-28,710,035, TC deleted on the plus strand (GA on the coding strand, the reverse complement: CHEK2 is on the minus strand); deleting any 2 consecutive bases within chr22:28,710,034-28,710,036 gives the same sequence; the c. name uses the placement nearest the transcript's 3' end. VCF-style (leftmost placement, unchanged base first): chr22-28710033-TTC-T. GRCh37 (hg19) VCF-style: chr22-29106021-TTC-T.
Other names: c.945_946delAG, p.Glu316Asnfs (NM_001005735.3); c.153_154delAG, p.Glu52Asnfs (NM_001257387.3); c.615_616delAG, p.Glu206Asnfs (NM_001349956.3); c.816_817delAG, p.Glu273Asnfs (NM_145862.3); short protein forms E206fs, E52fs, E273fs, E316fs.
Identifiers: ClinVar variation 491643 (VCV000491643.23), dbSNP rs1474786480, ClinGen allele CA638800176.